The following is an entry in ClinVar:

NM_001171.6(ABCC6):c.3774dup (p.Trp1259fs)

Gene: ABCC6 (ATP binding cassette subfamily C member 6; minus strand). Cytogenetic location: 16p13.11.
Variant type: Duplication.
Coding change: c.3774dup on transcript NM_001171.6 (MANE Select); coding-DNA position 3774, one base duplicated (C; older notation c.3774dupC).
Protein change: p.Trp1259fs; shifts the reading frame from tryptophan 1259.
Molecular consequence: frameshift variant. On other transcripts: non-coding transcript variant (1).
Genome position (GRCh38, 1-based): chr16:16,157,771, G duplicated on the plus strand (C on the coding strand, the reverse complement: ABCC6 is on the minus strand); the first of 6 consecutive G bases (chr16:16,157,771-16,157,776); duplicating any one gives the same sequence. VCF-style (leftmost placement, unchanged base first): chr16-16157770-A-AG. GRCh37 (hg19) VCF-style: chr16-16251627-A-AG.
Other names: ABCC6_00161;c.3774_3775insC; c.3432dup, p.Trp1145fs (NM_001351800.1); c.3774dupC (NM_001171.5); short protein forms W1259fs, W1145fs.
Identifiers: ClinVar variation 433330 (VCV000433330.13), dbSNP rs72664220, ClinGen allele CA7925420.

ClinVar aggregate classification (germline): Pathogenic. Review status: criteria provided, multiple submitters, no conflicts (2 of 4 stars). 7 submissions from 7 submitters: Pathogenic (6). 1 of the submissions does not count toward it. Last evaluated 2025-11-27.

Conditions:
Autosomal recessive inherited pseudoxanthoma elasticum (PXE). Identifiers: Orphanet 758, MedGen CN032334, MONDO:0009925, OMIM 264800.
ABCC6-related disorder. Also called: ABCC6-related condition.
Arterial calcification, generalized, of infancy, 2. Identifiers: Orphanet 51608, MedGen C3276161, MONDO:0013768, OMIM 614473.
Pseudoxanthoma elasticum, forme fruste. Also called: Pseudoxanthoma Elasticum, Incomplete; PSEUDOXANTHOMA ELASTICUM, HETEROZYGOUS. Identifiers: Orphanet 758, MedGen C1867450, MONDO:0008333, OMIM 177850.

Submissions (7):

Labcorp Genetics (formerly Invitae), Labcorp
Classification: Pathogenic. Last evaluated: 2025-11-27. Review status: criteria provided, single submitter. Criteria: Invitae Variant Classification Sherloc (09022015). Collection method: clinical testing. Allele origin: germline.
Comment: This sequence change creates a premature translational stop signal (p.Trp1259Leufs*19) in the ABCC6 gene. It is expected to result in an absent or disrupted protein product. Loss-of-function variants in ABCC6 are known to be pathogenic (PMID: 11536079, 17617515). This variant is present in population databases (rs72664221, gnomAD 0.004%). This premature translational stop signal has been observed in individual(s) with pseudoxanthoma elasticum (PMID: 16086317, 17617515). This variant is also known as c.3769_3770insC (p.L1259fsX1277). ClinVar contains an entry for this variant (Variation ID: 433330). For these reasons, this variant has been classified as Pathogenic.

Revvity Omics, Revvity
Classification: Pathogenic. Last evaluated: 2024-08-23. Review status: criteria provided, single submitter. Criteria: ACMG Guidelines, 2015. Collection method: clinical testing. Allele origin: germline.

Genomic Medicine Center of Excellence, King Faisal Specialist Hospital and Research Centre
Classification: Pathogenic for Autosomal recessive inherited pseudoxanthoma elasticum. Last evaluated: 2024-04-04. Review status: criteria provided, single submitter. Criteria: ACMG Guidelines, 2015. Collection method: clinical testing. Allele origin: germline.

Blueprint Genetics
Classification: Pathogenic for ABCC6-related disorders. Last evaluated: 2023-12-13. Review status: criteria provided, single submitter. Criteria: ACMG Guidelines, 2015. Collection method: clinical testing. Allele origin: germline. Affected: yes. Observed: 5 variant alleles.

Department of Pathology and Laboratory Medicine, Sinai Health System
Classification: Pathogenic for Arterial calcification, generalized, of infancy, 2; Pseudoxanthoma elasticum, forme fruste; Autosomal recessive inherited pseudoxanthoma elasticum. Last evaluated: 2023-10-19. Review status: criteria provided, single submitter. Criteria: ACMG Guidelines, 2015. Collection method: research. Allele origin: germline.

Fulgent Genetics
Classification: Pathogenic for Pseudoxanthoma elasticum, forme fruste; Autosomal recessive inherited pseudoxanthoma elasticum; Arterial calcification, generalized, of infancy, 2. Last evaluated: 2021-07-10. Review status: criteria provided, single submitter. Criteria: ACMG Guidelines, 2015. Collection method: clinical testing. Allele origin: unknown.

PXE International
Classification: Likely pathogenic for Autosomal recessive inherited pseudoxanthoma elasticum. Last evaluated: 2021-03-02. Review status: no assertion criteria provided. Collection method: research. Allele origin: germline. Inheritance: Autosomal recessive inheritance. Affected: yes. Observed: 5 variant alleles. Clinical features observed: Angioid streaks (HP:0001102), Kidney stone (HP:0000787), Papule (HP:0200034), Skin plaque (HP:0200035). Not counted in ClinVar's aggregate classification.

Literature cited by the submitters: PubMed 11536079 (cited by Labcorp Genetics (formerly Invitae), Labcorp); PubMed 17617515 (cited by Labcorp Genetics (formerly Invitae), Labcorp and PXE International); PubMed 16086317 (cited by Labcorp Genetics (formerly Invitae), Labcorp and PXE International); PubMed 28912966 (cited by PXE International).